The following is an entry in ClinVar:

ClinVar aggregate classification (germline): Uncertain significance (0 of 4 stars; one submission).

Submission:

Martin Pollak Laboratory,  Beth Israel Deaconess Medical Center
Classification: Uncertain significance. Review status: no assertion criteria provided. Collection method: not provided. Allele origin: unknown.
Comment: Higher UCa2+ group
ClinVar note: Converted during submission from unknown to Uncertain significance.

NM_000388.4(CASR):c.2944C>T (p.Pro982Ser)

Gene: CASR (calcium sensing receptor; plus strand). Cytogenetic location: 3q21.1.
Variant type: single nucleotide variant.
Coding change: c.2944C>T on transcript NM_000388.4 (MANE Select); coding-DNA position 2944, C replaced by T.
Protein change: p.Pro982Ser; replaces proline 982 with serine.
Molecular consequence: missense variant.
Genome position (GRCh38, 1-based): chr3:122,284,898, C>T. VCF-style: chr3-122284898-C-T. GRCh37 (hg19) VCF-style: chr3-122003745-C-T.
Other names: c.2974C>T, p.Pro992Ser (NM_001178065.2); short protein forms P982S, P992S.
Identifiers: ClinVar variation 64435 (VCV000064435.2), dbSNP rs387907395, ClinGen allele CA216134.
Genomic context (GRCh38, chr3:122,284,898, plus strand): 5'-TGCAAGCAGAAGGTCATCTTTGGCAGCGGCACGGTCACCTTCTCACTGAGCTTTGATGAG[C>T]CTCAGAAGAACGCCATGGCCCACAGGAATTCTACGCACCAGAACTCCCTGGAGGCCCAGA-3'
Protein context (NP_000379.3, residues 972-992): TVTFSLSFDE[Pro982Ser]QKNAMAHRNS